The following is an entry in ClinVar:

ClinVar aggregate classification (germline): Likely pathogenic. Review status: criteria provided, multiple submitters, no conflicts (2 of 4 stars). 2 submissions from 2 submitters: Likely pathogenic (2). Last evaluated 2019-03-13.

Conditions:
RYR1-related disorder. Also called: RYR1-related disorders; RYR1-related condition. Identifiers: MedGen CN239331.

Submissions (2):

Labcorp Genetics (formerly Invitae), Labcorp
Classification: Likely pathogenic for RYR1-related disorder. Last evaluated: 2019-03-13. Review status: criteria provided, single submitter. Criteria: Invitae Variant Classification Sherloc (09022015). Collection method: clinical testing. Allele origin: germline.
Comment: This variant disrupts the p.Thr4920 amino acid residue in RYR1. Other variant(s) that disrupt this residue have been observed in individuals with RYR1-related conditions (PMID: 16621918, 27363342, 29629541), which suggests that this may be a clinically significant amino acid residue. This variant has been observed in several individuals affected with central core disease or myopathy (PMID: 23919265, 25256590, Invitae). This variant is not present in population databases (ExAC no frequency). This sequence change replaces threonine with isoleucine at codon 4920 of the RYR1 protein (p.Thr4920Ile). The threonine residue is highly conserved and there is a moderate physicochemical difference between threonine and isoleucine. In summary, the currently available evidence indicates that the variant is pathogenic, but additional data are needed to prove that conclusively. Therefore, this variant has been classified as Likely Pathogenic.

Mayo Clinic Laboratories, Mayo Clinic
Classification: Likely pathogenic. Last evaluated: 2018-08-19. Review status: criteria provided, single submitter. Criteria: ACMG Guidelines, 2015. Collection method: clinical testing. Allele origin: germline.
Comment: PS4_moderate, PM2, PM5, PM1, PP3, PP2

Literature cited by the submitters: PubMed 16621918 (cited by Labcorp Genetics (formerly Invitae), Labcorp and Mayo Clinic Laboratories, Mayo Clinic); PubMed 27363342 (cited by Labcorp Genetics (formerly Invitae), Labcorp); PubMed 29629541 (cited by Labcorp Genetics (formerly Invitae), Labcorp); PubMed 23919265 (cited by Labcorp Genetics (formerly Invitae), Labcorp and Mayo Clinic Laboratories, Mayo Clinic); PubMed 25256590 (cited by Labcorp Genetics (formerly Invitae), Labcorp and Mayo Clinic Laboratories, Mayo Clinic).

NM_000540.3(RYR1):c.14759C>T (p.Thr4920Ile)

Gene: RYR1 (ryanodine receptor 1; plus strand). Cytogenetic location: 19q13.2.
Variant type: single nucleotide variant.
Coding change: c.14759C>T on transcript NM_000540.3 (MANE Select); coding-DNA position 14759, C replaced by T.
Protein change: p.Thr4920Ile; replaces threonine 4920 with isoleucine.
Molecular consequence: missense variant.
Genome position (GRCh38, 1-based): chr19:38,585,055, C>T. VCF-style: chr19-38585055-C-T. GRCh37 (hg19) VCF-style: chr19-39075695-C-T.
Other names: p.Thr4920Ile; c.14744C>T, p.Thr4915Ile (NM_001042723.2); short protein forms T4915I, T4920I.
Identifiers: ClinVar variation 843552 (VCV000843552.13), dbSNP rs118192155, ClinGen allele CA405690861.
Genomic context (GRCh38, chr19:38,585,055, plus strand): 5'-ACGAGATCGAGGACCCCGCGGGTGACGAATACGAGCTCTACAGGGTGGTCTTCGACATCA[C>T]CTTCTTCTTCTTCGTCATCGTCATCCTGTTGGCCATCATCCAGGGTCAGTGCTGGGAGTG-3'
Protein context (NP_000531.2, residues 4910-4930): YELYRVVFDI[Thr4920Ile]FFFFVIVILL